The following is an entry in ClinVar:

ClinVar aggregate classification (germline): Pathogenic (1 of 4 stars; one submission).

Conditions:
Saethre-Chotzen syndrome (SCS). Also called: ACROCEPHALY, SKULL ASYMMETRY, AND MILD SYNDACTYLY; ACS III; CHOTZEN SYNDROME. Identifiers: Orphanet 794, MedGen C0175699, MONDO:0007042, OMIM 101400.

Submission:

Institute of Human Genetics, University of Leipzig Medical Center
Classification: Pathogenic for Saethre-Chotzen syndrome. Last evaluated: 2024-10-18. Review status: criteria provided, single submitter. Criteria: ACMG Guidelines, 2015. Collection method: clinical testing. Allele origin: paternal. Inheritance: Autosomal dominant inheritance. Affected: yes.
Comment: Criteria applied: PM5_STR,PM1,PM2,PS4_SUP,PP3

NM_000474.4(TWIST1):c.346C>T (p.Arg116Trp)

Gene: TWIST1 (twist family bHLH transcription factor 1; minus strand). Cytogenetic location: 7p21.1.
Variant type: single nucleotide variant.
Coding change: c.346C>T on transcript NM_000474.4 (MANE Select); coding-DNA position 346, C replaced by T.
Protein change: p.Arg116Trp; replaces arginine 116 with tryptophan.
Molecular consequence: missense variant. On other transcripts: non-coding transcript variant (1).
Genome position (GRCh38, 1-based): chr7:19,116,976, G>A on the plus strand (C>T on the coding strand, the complement: TWIST1 is on the minus strand). VCF-style: chr7-19116976-G-A. GRCh37 (hg19) VCF-style: chr7-19156599-G-A.
Other names: short protein forms R116W.
Identifiers: ClinVar variation 3376165 (VCV003376165.3).